The following is an entry in ClinVar:

NM_012453.4(TBL2):c.567G>A (p.Ala189=)

Gene: TBL2 (transducin beta like 2; minus strand). Cytogenetic location: 7q11.23.
Variant type: single nucleotide variant.
Coding change: c.567G>A on transcript NM_012453.4 (MANE Select); coding-DNA position 567, G replaced by A.
Protein change: p.Ala189=; no amino-acid change (alanine 189 retained).
Molecular consequence: synonymous variant.
Genome position (GRCh38, 1-based): chr7:73,573,351, C>T on the plus strand (G>A on the coding strand, the complement: TBL2 is on the minus strand). VCF-style: chr7-73573351-C-T. GRCh37 (hg19) VCF-style: chr7-72987681-C-T.
Other names: c.468G>A, p.Ala156= (NM_001362660.2); c.72G>A, p.Ala24= (NM_001362661.2, NM_001362662.2, NM_001362663.2).
Identifiers: ClinVar variation 788784 (VCV000788784.28), dbSNP rs141209031, ClinGen allele CA4288633.

ClinVar aggregate classification (germline): Benign/Likely benign. Review status: criteria provided, multiple submitters, no conflicts (2 of 4 stars). 3 submissions from 3 submitters: Benign (2); Likely benign (1). Last evaluated 2026-07-01.

Allele frequency attached by ClinVar (database versions not stated): ESP Exome Variant Server 0.00315; gnomAD 0.00334 and 0.00358; gnomAD exomes 0.00424; ExAC 0.00443; TOPMed 0.00243; 1000 Genomes Project 0.00300; 1000 Genomes Project 30x 0.00312.
gnomAD v4.1: 6,140 of 1,614,192 alleles (0.38%); highest among the groups gnomAD compares: Middle Eastern, 0.87%; 31 homozygotes.

Submissions (3):

CeGaT Center for Human Genetics Tuebingen
Classification: Likely benign. Last evaluated: 2026-07-01. Review status: criteria provided, single submitter. Criteria: CeGaT Center For Human Genetics Tuebingen Variant Classification Criteria Version 2. Collection method: clinical testing. Allele origin: germline. Affected: yes. Observed: 12 variant alleles.
Comment: TBL2: BP4, BP7, BS2

Labcorp Genetics (formerly Invitae), Labcorp
Classification: Benign. Last evaluated: 2018-02-08. Review status: criteria provided, single submitter. Criteria: Invitae Variant Classification Sherloc (09022015). Collection method: clinical testing. Allele origin: germline.

Breakthrough Genomics
Classification: Benign. Review status: criteria provided, single submitter. Criteria: ACMG Guidelines, 2015. Collection method: not provided. Allele origin: germline. Inheritance: Unknown mechanism. Affected: yes.